The following is an entry in ClinVar:

ClinVar aggregate classification (germline): Benign/Likely benign. Review status: criteria provided, multiple submitters, no conflicts (2 of 4 stars). 2 submissions from 2 submitters: Benign (1); Likely benign (1). Last evaluated 2024-10-21.

Conditions:
Pseudohypoaldosteronism type 2E (PHA2E). Also called: Pseudohypoaldosteronism Type IIE. Identifiers: Orphanet 300530, Orphanet 757, MedGen C3469606, MONDO:0013782, OMIM 614496.

Allele frequency attached by ClinVar (database versions not stated): gnomAD 0.00001; gnomAD exomes 0.00001 and 0.00003; TOPMed 0.00001; ExAC 0.00002.
gnomAD v4.1: 13 of 1,609,046 alleles (0.00081%); highest among the groups gnomAD compares: East Asian, 0.0045%; no homozygotes.

Submissions (2):

Labcorp Genetics (formerly Invitae), Labcorp
Classification: Likely benign. Last evaluated: 2024-10-21. Review status: criteria provided, single submitter. Criteria: Invitae Variant Classification Sherloc (09022015). Collection method: clinical testing. Allele origin: germline.

Illumina Laboratory Services, Illumina
Classification: Benign for Pseudohypoaldosteronism type 2E. Last evaluated: 2018-01-13. Review status: criteria provided, single submitter. Criteria: ICSL Variant Classification Criteria 13 December 2019. Collection method: clinical testing. Allele origin: germline.
Comment: This variant was observed in the ICSL laboratory as part of a predisposition screen in an ostensibly healthy population. It had not been previously curated by ICSL or reported in the Human Gene Mutation Database (HGMD: prior to June 1st, 2018), and was therefore a candidate for classification through an automated scoring system. Utilizing variant allele frequency, disease prevalence and penetrance estimates, and inheritance mode, an automated score was calculated to assess if this variant is too frequent to cause the disease. Based on the score and internal cut-off values, a variant classified as benign is not then subjected to further curation. The score for this variant resulted in a classification of benign for this disease.

NM_003590.5(CUL3):c.1902C>T (p.Leu634=)

Gene: CUL3 (cullin 3; minus strand). Cytogenetic location: 2q36.2.
Variant type: single nucleotide variant.
Coding change: c.1902C>T on transcript NM_003590.5 (MANE Select); coding-DNA position 1902, C replaced by T.
Protein change: p.Leu634=; no amino-acid change (leucine 634 retained).
Molecular consequence: synonymous variant.
Genome position (GRCh38, 1-based): chr2:224,482,019, G>A on the plus strand (C>T on the coding strand, the complement: CUL3 is on the minus strand). VCF-style: chr2-224482019-G-A. GRCh37 (hg19) VCF-style: chr2-225346736-G-A.
Other names: c.1704C>T, p.Leu568= (NM_001257197.2); c.1920C>T, p.Leu640= (NM_001257198.2).
Identifiers: ClinVar variation 898278 (VCV000898278.6), dbSNP rs745765743, ClinGen allele CA2139871.